The following is an entry in ClinVar:

NM_018706.7(DHTKD1):c.2627C>T (p.Ser876Phe)

Gene: DHTKD1 (dehydrogenase E1 and transketolase domain containing 1; plus strand). Cytogenetic location: 10p14.
Variant type: single nucleotide variant.
Coding change: c.2627C>T on transcript NM_018706.7 (MANE Select); coding-DNA position 2627, C replaced by T.
Protein change: p.Ser876Phe; replaces serine 876 with phenylalanine.
Molecular consequence: missense variant.
Genome position (GRCh38, 1-based): chr10:12,120,236, C>T. VCF-style: chr10-12120236-C-T. GRCh37 (hg19) VCF-style: chr10-12162235-C-T.
Other names: short protein forms S876F.
Identifiers: ClinVar variation 1436596 (VCV001436596.6), dbSNP rs569696877, ClinGen allele CA376017099.
Genomic context (GRCh38, chr10:12,120,236, plus strand): 5'-TCATAGATCATATTTGGAGTCAGGAGGAACCTCAGAACATGGGTCCGTGGTCGTTTGTTT[C>T]TCCAAGGTTTGAAAAGCAGCTGGCCTGCAAGGTAATCACACGTTTTCTCTGGTAGTGTTT-3'
Protein context (NP_061176.4, residues 866-886): PQNMGPWSFV[Ser876Phe]PRFEKQLACK

ClinVar aggregate classification (germline): Uncertain significance (1 of 4 stars; one submission).

Conditions:
2-aminoadipic 2-oxoadipic aciduria (AAKAD). Also called: ALPHA-AMINOADIPIC AND ALPHA-KETOADIPIC ACIDURIA; Aminoadipic aciduria. Identifiers: Orphanet 79154, MedGen C1859817, MONDO:0008774, OMIM 204750.

Allele frequency attached by ClinVar (database versions not stated): gnomAD exomes below 0.00001; gnomAD 0.00001; TOPMed 0.00001.

Submission:

Labcorp Genetics (formerly Invitae), Labcorp
Classification: Uncertain significance for 2-aminoadipic 2-oxoadipic aciduria. Last evaluated: 2024-04-25. Review status: criteria provided, single submitter. Criteria: Invitae Variant Classification Sherloc (09022015). Collection method: clinical testing. Allele origin: germline.
Comment: This sequence change replaces serine, which is neutral and polar, with phenylalanine, which is neutral and non-polar, at codon 876 of the DHTKD1 protein (p.Ser876Phe). This variant is present in population databases (no rsID available, gnomAD 0.0009%). This variant has not been reported in the literature in individuals affected with DHTKD1-related conditions. ClinVar contains an entry for this variant (Variation ID: 1436596). Advanced modeling of protein sequence and biophysical properties (such as structural, functional, and spatial information, amino acid conservation, physicochemical variation, residue mobility, and thermodynamic stability) performed at Invitae indicates that this missense variant is not expected to disrupt DHTKD1 protein function with a negative predictive value of 80%. In summary, the available evidence is currently insufficient to determine the role of this variant in disease. Therefore, it has been classified as a Variant of Uncertain Significance.